The following is an entry in ClinVar:

ClinVar aggregate classification (germline): Pathogenic (1 of 4 stars; one submission).

Submission:

Labcorp Genetics (formerly Invitae), Labcorp
Classification: Pathogenic. Last evaluated: 2025-12-22. Review status: criteria provided, single submitter. Criteria: Invitae Variant Classification Sherloc (09022015). Collection method: clinical testing. Allele origin: germline.
Comment: This sequence change creates a premature translational stop signal (p.Ile98Phefs*11) in the MDH2 gene. It is expected to result in an absent or disrupted protein product. Loss-of-function variants in MDH2 are known to be pathogenic (PMID: 27989324). This variant is not present in population databases (gnomAD no frequency). This variant has not been reported in the literature in individuals affected with MDH2-related conditions. For these reasons, this variant has been classified as Pathogenic.

Literature cited by the submitters: PubMed 27989324.

NM_005918.4(MDH2):c.291del (p.Ile98fs)

Gene: MDH2 (malate dehydrogenase 2; plus strand). Cytogenetic location: 7q11.23.
Variant type: Deletion.
Coding change: c.291del on transcript NM_005918.4 (MANE Select); coding-DNA position 291, one base deleted (T; older notation c.291delT).
Protein change: p.Ile98fs; shifts the reading frame from isoleucine 98.
Molecular consequence: frameshift variant. On other transcripts: 5 prime UTR variant (1).
Genome position (GRCh38, 1-based): chr7:76,057,465, T deleted; the last of 2 consecutive T bases (chr7:76,057,464-76,057,465); deleting either gives the same sequence. VCF-style (leftmost placement, unchanged base first): chr7-76057463-GT-G. GRCh37 (hg19) VCF-style: chr7-75686781-GT-G.
Other names: c.291del, p.Ile98fs (NM_001282403.2); c.-31del (NM_001282404.2); short protein forms I98fs.
Identifiers: ClinVar variation 4779207 (VCV004779207.1).